The following is an entry in ClinVar:

NM_002878.4(RAD51D):c.137C>T (p.Ser46Phe)

Genes: RAD51D (RAD51 paralog D; minus strand), RAD51L3-RFFL (RAD51L3-RFFL readthrough; minus strand). Cytogenetic location: 17q12.
Variant type: single nucleotide variant.
Coding change: c.137C>T on transcript NM_002878.4 (MANE Select); coding-DNA position 137, C replaced by T.
Protein change: p.Ser46Phe; replaces serine 46 with phenylalanine.
Molecular consequence: missense variant. On other transcripts: non-coding transcript variant (2).
Genome position (GRCh38, 1-based): chr17:35,119,118, G>A on the plus strand (C>T on the coding strand, the complement: RAD51D is on the minus strand). VCF-style: chr17-35119118-G-A. GRCh37 (hg19) VCF-style: chr17-33446137-G-A.
Other names: c.137C>T, p.Ser46Phe (NM_001142571.2, NM_133629.3); short protein forms S46F.
Identifiers: ClinVar variation 1704530 (VCV001704530.3), dbSNP rs587780102, ClinGen allele CA8499664.

ClinVar aggregate classification (germline): Uncertain significance. Review status: criteria provided, multiple submitters, no conflicts (2 of 4 stars). 3 submissions from 3 submitters: Uncertain significance (3). Last evaluated 2026-06-16.

Conditions:
Hereditary cancer-predisposing syndrome. Also called: Tumor predisposition; Hereditary neoplastic syndrome; Neoplastic Syndromes, Hereditary; Hereditary Cancer Syndrome. Identifiers: Orphanet 140162, MedGen C0027672, MeSH D009386, MONDO:0015356.
Breast-ovarian cancer, familial, susceptibility to, 4. Identifiers: Orphanet 145, MedGen C3280345, MONDO:0013669, OMIM 614291.

Submissions (3):

Ambry Genetics
Classification: Uncertain significance for Hereditary cancer-predisposing syndrome. Last evaluated: 2026-06-16. Review status: criteria provided, single submitter. Criteria: Ambry Variant Classification Scheme 2023. Collection method: clinical testing. Allele origin: germline.
Comment: The p.S46F variant (also known as c.137C>T), located in coding exon 2 of the RAD51D gene, results from a C to T substitution at nucleotide position 137. The serine at codon 46 is replaced by phenylalanine, an amino acid with highly dissimilar properties. This amino acid position is conserved. In addition, this alteration is predicted to be deleterious by in silico analysis. Based on the available evidence, the clinical significance of this variant remains unclear.

Labcorp Genetics (formerly Invitae), Labcorp
Classification: Uncertain significance for Breast-ovarian cancer, familial, susceptibility to, 4. Last evaluated: 2025-12-28. Review status: criteria provided, single submitter. Criteria: Invitae Variant Classification Sherloc (09022015). Collection method: clinical testing. Allele origin: germline.
Comment: This sequence change replaces serine, which is neutral and polar, with phenylalanine, which is neutral and non-polar, at codon 46 of the RAD51D protein (p.Ser46Phe). This variant is not present in population databases (gnomAD no frequency). This variant has not been reported in the literature in individuals affected with RAD51D-related conditions. ClinVar contains an entry for this variant (Variation ID: 1704530). An algorithm developed to predict the effect of missense changes on protein structure and function (PolyPhen-2) suggests that this variant is likely to be disruptive. In summary, the available evidence is currently insufficient to determine the role of this variant in disease. Therefore, it has been classified as a Variant of Uncertain Significance.

Women's Health and Genetics/Laboratory Corporation of America, LabCorp
Classification: Uncertain significance. Last evaluated: 2022-07-21. Review status: criteria provided, single submitter. Criteria: LabCorp Variant Classification Summary - May 2015. Collection method: clinical testing. Allele origin: germline.
Comment: Variant summary: RAD51D c.137C>T (p.Ser46Phe) results in a non-conservative amino acid change in the encoded protein sequence. Four of five in-silico tools predict a damaging effect of the variant on protein function. The variant was absent in 251312 control chromosomes. The available data on variant occurrences in the general population are insufficient to allow any conclusion about variant significance. To our knowledge, no occurrence of c.137C>T in individuals affected with Hereditary Breast And Ovarian Cancer Syndrome and no experimental evidence demonstrating its impact on protein function have been reported. No clinical diagnostic laboratories have submitted clinical-significance assessments for this variant to ClinVar after 2014. Based on the evidence outlined above, the variant was classified as uncertain significance.